The following is an entry in ClinVar:

NM_001080467.3(MYO5B):c.5485C>G (p.Leu1829Val)

Genes: MYO5B (myosin VB; minus strand), SNHG22 (small nucleolar RNA host gene 22; plus strand). Cytogenetic location: 18q21.1.
Variant type: single nucleotide variant.
Coding change: c.5485C>G on transcript NM_001080467.3 (MANE Select); coding-DNA position 5485, C replaced by G.
Protein change: p.Leu1829Val; replaces leucine 1829 with valine.
Molecular consequence: missense variant.
Genome position (GRCh38, 1-based): chr18:49,826,533, G>C on the plus strand (C>G on the coding strand, the complement: MYO5B is on the minus strand). VCF-style: chr18-49826533-G-C. GRCh37 (hg19) VCF-style: chr18-47352903-G-C.
Other names: short protein forms L1829V.
Identifiers: ClinVar variation 1936188 (VCV001936188.2), dbSNP rs776519992, ClinGen allele CA8960024.

ClinVar aggregate classification (germline): Uncertain significance (1 of 4 stars; one submission).

Allele frequency attached by ClinVar (database versions not stated): gnomAD 0.00001; ExAC 0.00002.
gnomAD v4.1: 4 of 1,613,960 alleles (0.00025%); highest among the groups gnomAD compares: African/African-American, 0.0027%; no homozygotes.

Submission:

Labcorp Genetics (formerly Invitae), Labcorp
Classification: Uncertain significance. Last evaluated: 2022-09-16. Review status: criteria provided, single submitter. Criteria: Invitae Variant Classification Sherloc (09022015). Collection method: clinical testing. Allele origin: germline.
Comment: This sequence change replaces leucine, which is neutral and non-polar, with valine, which is neutral and non-polar, at codon 1829 of the MYO5B protein (p.Leu1829Val). The frequency data for this variant in the population databases is considered unreliable, as metrics indicate poor data quality at this position in the gnomAD database. This variant has not been reported in the literature in individuals affected with MYO5B-related conditions. Advanced modeling of protein sequence and biophysical properties (such as structural, functional, and spatial information, amino acid conservation, physicochemical variation, residue mobility, and thermodynamic stability) performed at Invitae indicates that this missense variant is not expected to disrupt MYO5B protein function. In summary, the available evidence is currently insufficient to determine the role of this variant in disease. Therefore, it has been classified as a Variant of Uncertain Significance.